The following is an entry in ClinVar:

NM_000124.4(ERCC6):c.4355A>G (p.Gln1452Arg)

Gene: ERCC6 (ERCC excision repair 6, chromatin remodeling factor; minus strand). Cytogenetic location: 10q11.23.
Variant type: single nucleotide variant.
Coding change: c.4355A>G on transcript NM_000124.4 (MANE Select); coding-DNA position 4355, A replaced by G.
Protein change: p.Gln1452Arg; replaces glutamine 1452 with arginine.
Molecular consequence: missense variant.
Genome position (GRCh38, 1-based): chr10:49,458,942, T>C on the plus strand (A>G on the coding strand, the complement: ERCC6 is on the minus strand). VCF-style: chr10-49458942-T-C. GRCh37 (hg19) VCF-style: chr10-50666988-T-C.
Other names: c.4355A>G, p.Gln1452Arg (NM_001346440.2); short protein forms Q1452R.
Identifiers: ClinVar variation 1418406 (VCV001418406.5), dbSNP rs756484672, ClinGen allele CA5495126.

ClinVar aggregate classification (germline): Uncertain significance (1 of 4 stars; one submission).

Allele frequency attached by ClinVar (database versions not stated): gnomAD 0.00001; ExAC 0.00002; TOPMed 0.00003.
gnomAD v4.1: 34 of 1,614,090 alleles (0.0021%); highest among the groups gnomAD compares: Middle Eastern, 0.016%; no homozygotes.

Submission:

Labcorp Genetics (formerly Invitae), Labcorp
Classification: Uncertain significance. Last evaluated: 2022-03-10. Review status: criteria provided, single submitter. Criteria: Invitae Variant Classification Sherloc (09022015). Collection method: clinical testing. Allele origin: germline.
Comment: This sequence change replaces glutamine, which is neutral and polar, with arginine, which is basic and polar, at codon 1452 of the ERCC6 protein (p.Gln1452Arg). This variant is present in population databases (rs756484672, gnomAD 0.005%). This variant has not been reported in the literature in individuals affected with ERCC6-related conditions. Algorithms developed to predict the effect of missense changes on protein structure and function output the following: SIFT: "Deleterious"; PolyPhen-2: "Benign"; Align-GVGD: "Class C35". The arginine amino acid residue is found in multiple mammalian species, which suggests that this missense change does not adversely affect protein function. In summary, the available evidence is currently insufficient to determine the role of this variant in disease. Therefore, it has been classified as a Variant of Uncertain Significance.